The following is an entry in ClinVar:

ClinVar aggregate classification (germline): Uncertain significance (1 of 4 stars; one submission).

Conditions:
Thrombophilia due to protein C deficiency, autosomal dominant. Also called: PROC DEFICIENCY, AUTOSOMAL DOMINANT; PROTEIN C DEFICIENCY, AUTOSOMAL DOMINANT. Identifiers: Orphanet 745, MedGen C2674321, MONDO:0008316, OMIM 176860. Disease mechanism: loss of function.

Submission:

Labcorp Genetics (formerly Invitae), Labcorp
Classification: Uncertain significance for Thrombophilia due to protein C deficiency, autosomal dominant. Last evaluated: 2022-06-23. Review status: criteria provided, single submitter. Criteria: Invitae Variant Classification Sherloc (09022015). Collection method: clinical testing. Allele origin: germline.
Comment: This sequence change replaces glycine, which is neutral and non-polar, with arginine, which is basic and polar, at codon 116 of the PROC protein (p.Gly116Arg). This variant is not present in population databases (gnomAD no frequency). This missense change has been observed in individual(s) with protein C deficiency (PMID: 31254973, 32717757). Algorithms developed to predict the effect of missense changes on protein structure and function (SIFT, PolyPhen-2, Align-GVGD) all suggest that this variant is likely to be tolerated. In summary, the available evidence is currently insufficient to determine the role of this variant in disease. Therefore, it has been classified as a Variant of Uncertain Significance.

Literature cited by the submitters: PubMed 31254973; PubMed 32717757.

NM_000312.4(PROC):c.346G>C (p.Gly116Arg)

Gene: PROC (protein C, inactivator of coagulation factors Va and VIIIa; plus strand). Cytogenetic location: 2q14.3.
Variant type: single nucleotide variant.
Coding change: c.346G>C on transcript NM_000312.4 (MANE Select); coding-DNA position 346, G replaced by C.
Protein change: p.Gly116Arg; replaces glycine 116 with arginine.
Molecular consequence: missense variant. On other transcripts: synonymous variant (1).
Genome position (GRCh38, 1-based): chr2:127,423,117, G>C. VCF-style: chr2-127423117-G-C. GRCh37 (hg19) VCF-style: chr2-128180693-G-C.
Other names: c.529G>C, p.Gly177Arg (NM_001375602.1); c.409G>C, p.Gly137Arg (NM_001375603.1, NM_001375604.1); c.346G>C, p.Gly116Arg (NM_001375605.1, NM_001375608.1, NM_001375611.1 and 1 more transcripts); c.501G>C, p.Ser167= (NM_001375606.1); c.430G>C, p.Gly144Arg (NM_001375607.1); c.322G>C, p.Gly108Arg (NM_001375609.1); c.340G>C, p.Gly114Arg (NM_001375610.1); short protein forms G116R, G137R, G177R, G114R, G108R, G144R.
Identifiers: ClinVar variation 2172955 (VCV002172955.4), dbSNP rs2468337001, ClinGen allele CA348399081.